The following is an entry in ClinVar:

NM_201384.3(PLEC):c.6062C>A (p.Ala2021Glu)

Gene: PLEC (plectin; minus strand). Cytogenetic location: 8q24.3.
Variant type: single nucleotide variant.
Coding change: c.6062C>A on transcript NM_201384.3 (MANE Select); coding-DNA position 6062, C replaced by A.
Protein change: p.Ala2021Glu; replaces alanine 2021 with glutamic acid.
Molecular consequence: missense variant. On other transcripts: intron variant (1).
Genome position (GRCh38, 1-based): chr8:143,923,867, G>T on the plus strand (C>A on the coding strand, the complement: PLEC is on the minus strand). VCF-style: chr8-143923867-G-T. GRCh37 (hg19) VCF-style: chr8-144998035-G-T.
Other names: c.6143C>A, p.Ala2048Glu (NM_000445.5); c.6020C>A, p.Ala2007Glu (NM_201378.4); c.5996C>A, p.Ala1999Glu (NM_201379.3); c.6473C>A, p.Ala2158Glu (NM_201380.4); c.5966C>A, p.Ala1989Glu (NM_201381.3); c.6062C>A, p.Ala2021Glu (NM_201382.4); c.6074C>A, p.Ala2025Glu (NM_201383.3); c.4126-1472C>A (NM_001410941.1); short protein forms A1989E, A1999E, A2007E, A2025E, A2048E, A2158E, A2021E.
Identifiers: ClinVar variation 4792333 (VCV004792333.1).

ClinVar aggregate classification (germline): Uncertain significance (1 of 4 stars; one submission).

Conditions:
Epidermolysis bullosa simplex with nail dystrophy (EBS5D). Identifiers: MedGen C4225309, MONDO:0014661, OMIM 616487.
Epidermolysis bullosa simplex, Ogna type (EBS5A). Also called: EPIDERMOLYSIS BULLOSA SIMPLEX 5A, OGNA TYPE; Pidermolysis bullosa simplex 5A, Ogna type. Identifiers: Orphanet 79401, MedGen C0432317, MONDO:0007555, OMIM 131950.
Autosomal recessive limb-girdle muscular dystrophy type 2Q (LGMDR17). Also called: MUSCULAR DYSTROPHY, LIMB-GIRDLE, AUTOSOMAL RECESSIVE 17. Identifiers: Orphanet 254361, MedGen C3150989, MONDO:0013390, OMIM 613723.
Epidermolysis bullosa simplex 5B, with muscular dystrophy (EBS5B). Also called: EPIDERMOLYSIS BULLOSA SIMPLEX AND LIMB-GIRDLE MUSCULAR DYSTROPHY; Epidermolysis bullosa simplex with muscular dystrophy. Identifiers: Orphanet 257, MedGen C2931072, MONDO:0009181, OMIM 226670.
Epidermolysis bullosa simplex 5C, with pyloric atresia (EBS5C). Also called: PLEC-Related Epidermolysis Bullosa with Pyloric Atresia; Epidermolysis bullosa simplex with pyloric atresia; PLEC1-Related Epidermolysis Bullosa with Pyloric Atresia. Identifiers: Orphanet 158684, MedGen C2677349, MONDO:0012807, OMIM 612138.

Submission:

Labcorp Genetics (formerly Invitae), Labcorp
Classification: Uncertain significance for Autosomal recessive limb-girdle muscular dystrophy type 2Q; Epidermolysis bullosa simplex, Ogna type; Epidermolysis bullosa simplex with nail dystrophy; Epidermolysis bullosa simplex 5C, with pyloric atresia; Epidermolysis bullosa simplex 5B, with muscular dystrophy. Last evaluated: 2025-03-01. Review status: criteria provided, single submitter. Criteria: Invitae Variant Classification Sherloc (09022015). Collection method: clinical testing. Allele origin: germline.
Comment: This sequence change replaces alanine, which is neutral and non-polar, with glutamic acid, which is acidic and polar, at codon 2048 of the PLEC protein (p.Ala2048Glu). This variant is not present in population databases (gnomAD no frequency). This variant has not been reported in the literature in individuals affected with PLEC-related conditions. Experimental studies and prediction algorithms are not available or were not evaluated, and the functional significance of this variant is currently unknown. In summary, the available evidence is currently insufficient to determine the role of this variant in disease. Therefore, it has been classified as a Variant of Uncertain Significance.